The following is an entry in ClinVar:

ClinVar aggregate classification (germline): Uncertain significance (1 of 4 stars; one submission).

Submission:

Labcorp Genetics (formerly Invitae), Labcorp
Classification: Uncertain significance. Last evaluated: 2024-10-24. Review status: criteria provided, single submitter. Criteria: Invitae Variant Classification Sherloc (09022015). Collection method: clinical testing. Allele origin: germline.
Comment: This sequence change replaces proline, which is neutral and non-polar, with glutamine, which is neutral and polar, at codon 227 of the CA4 protein (p.Pro227Gln). This variant is not present in population databases (gnomAD no frequency). This variant has not been reported in the literature in individuals affected with CA4-related conditions. Invitae Evidence Modeling of protein sequence and biophysical properties (such as structural, functional, and spatial information, amino acid conservation, physicochemical variation, residue mobility, and thermodynamic stability) indicates that this missense variant is expected to disrupt CA4 protein function with a positive predictive value of 80%. In summary, the available evidence is currently insufficient to determine the role of this variant in disease. Therefore, it has been classified as a Variant of Uncertain Significance.

NM_000717.5(CA4):c.680C>A (p.Pro227Gln)

Gene: CA4 (carbonic anhydrase 4; plus strand). Cytogenetic location: 17q23.1.
Variant type: single nucleotide variant.
Coding change: c.680C>A on transcript NM_000717.5 (MANE Select); coding-DNA position 680, C replaced by A.
Protein change: p.Pro227Gln; replaces proline 227 with glutamine.
Molecular consequence: missense variant. On other transcripts: non-coding transcript variant (1).
Genome position (GRCh38, 1-based): chr17:60,158,382, C>A. VCF-style: chr17-60158382-C-A. GRCh37 (hg19) VCF-style: chr17-58235743-C-A.
Other names: short protein forms P227Q.
Identifiers: ClinVar variation 3691706 (VCV003691706.2).